The following is an entry in ClinVar:

NM_001353345.2(SETD1B):c.1165C>G (p.Pro389Ala)

Gene: SETD1B (SET domain containing 1B, histone lysine methyltransferase; plus strand). Cytogenetic location: 12q24.31.
Variant type: single nucleotide variant.
Coding change: c.1165C>G on transcript NM_001353345.2 (MANE Select); coding-DNA position 1165, C replaced by G.
Protein change: p.Pro389Ala; replaces proline 389 with alanine.
Molecular consequence: missense variant.
Genome position (GRCh38, 1-based): chr12:121,810,110, C>G. VCF-style: chr12-121810110-C-G. GRCh37 (hg19) VCF-style: chr12-122248016-C-G.
Other names: short protein forms P389A.
Identifiers: ClinVar variation 4823370 (VCV004823370.4).

ClinVar aggregate classification (germline): Uncertain significance (1 of 4 stars; one submission).

gnomAD v4.1: 2 of 1,550,202 alleles (0.00013%); highest among the groups gnomAD compares: Non-Finnish European, 0.00017%; no homozygotes.

Submission:

CeGaT Center for Human Genetics Tuebingen
Classification: Uncertain significance. Last evaluated: 2026-02-01. Review status: criteria provided, single submitter. Criteria: CeGaT Center For Human Genetics Tuebingen Variant Classification Criteria Version 2. Collection method: clinical testing. Allele origin: germline. Affected: yes. Observed: 1 variant allele.
Comment: SETD1B: PM2, BP4